The following is an entry in ClinVar:

ClinVar aggregate classification (germline): Uncertain significance. Review status: criteria provided, multiple submitters, no conflicts (2 of 4 stars). 2 submissions from 2 submitters: Uncertain significance (2). Last evaluated 2023-11-13.

Conditions:
Microcephaly, normal intelligence and immunodeficiency (NBS). Also called: IMMUNODEFICIENCY, MICROCEPHALY, AND CHROMOSOMAL INSTABILITY; SEEMANOVA SYNDROME II; Nijmegen breakage syndrome; Microcephaly with normal intelligence immunodeficiency and lymphoreticular malignancies; Nonsyndromal microcephaly autosomal recessive with normal intelligence; Seemanova syndrome 2. Identifiers: Orphanet 647, MedGen C0398791, MONDO:0009623, OMIM 251260.
Hereditary cancer-predisposing syndrome. Also called: Neoplastic Syndromes, Hereditary; Tumor predisposition; Hereditary Cancer Syndrome; Hereditary neoplastic syndrome. Identifiers: Orphanet 140162, MedGen C0027672, MeSH D009386, MONDO:0015356.

Submissions (2):

Labcorp Genetics (formerly Invitae), Labcorp
Classification: Uncertain significance for Microcephaly, normal intelligence and immunodeficiency. Last evaluated: 2023-11-13. Review status: criteria provided, single submitter. Criteria: Invitae Variant Classification Sherloc (09022015). Collection method: clinical testing. Allele origin: germline.
Comment: This sequence change replaces isoleucine, which is neutral and non-polar, with methionine, which is neutral and non-polar, at codon 108 of the NBN protein (p.Ile108Met). This variant is not present in population databases (gnomAD no frequency). This variant has not been reported in the literature in individuals affected with NBN-related conditions. ClinVar contains an entry for this variant (Variation ID: 1729381). An algorithm developed to predict the effect of missense changes on protein structure and function (PolyPhen-2) suggests that this variant is likely to be tolerated. RNA analysis performed to evaluate the impact of this missense change on mRNA splicing indicates it does not significantly alter splicing (Invitae). In summary, the available evidence is currently insufficient to determine the role of this variant in disease. Therefore, it has been classified as a Variant of Uncertain Significance.

Ambry Genetics
Classification: Uncertain significance for Hereditary cancer-predisposing syndrome. Last evaluated: 2022-04-07. Review status: criteria provided, single submitter. Criteria: Ambry Variant Classification Scheme 2023. Collection method: clinical testing. Allele origin: germline.
Comment: The p.I108M variant (also known as c.324A>G), located in coding exon 4 of the NBN gene, results from an A to G substitution at nucleotide position 324. The isoleucine at codon 108 is replaced by methionine, an amino acid with highly similar properties. This amino acid position is conserved. In addition, this alteration is predicted to be tolerated by in silico analysis. Since supporting evidence is limited at this time, the clinical significance of this alteration remains unclear.

NM_002485.5(NBN):c.324A>G (p.Ile108Met)

Gene: NBN (nibrin; minus strand). Cytogenetic location: 8q21.3.
Variant type: single nucleotide variant.
Coding change: c.324A>G on transcript NM_002485.5 (MANE Select); coding-DNA position 324, A replaced by G.
Protein change: p.Ile108Met; replaces isoleucine 108 with methionine.
Molecular consequence: missense variant.
Genome position (GRCh38, 1-based): chr8:89,980,890, T>C on the plus strand (A>G on the coding strand, the complement: NBN is on the minus strand). VCF-style: chr8-89980890-T-C. GRCh37 (hg19) VCF-style: chr8-90993118-T-C.
Other names: c.78A>G, p.Ile26Met (NM_001024688.3); short protein forms I108M, I26M.
Identifiers: ClinVar variation 1729381 (VCV001729381.5), dbSNP rs2488357388, ClinGen allele CA371662158.
Genomic context (GRCh38, chr8:89,980,890, plus strand): 5'-TAAAGCAGTTTTCCCAGAGACATCTAAACAAGAAGAGCATGCAACCAAAGGCTCATACTC[T>C]ATTCTGTAAATGAGAATAAGTTAAATAAAGTCATAGTATCAGAGTTGCAGAGATGGCAAT-3'
Protein context (NP_002476.2, residues 98-118): TFGVFGSKFR[Ile108Met]EYEPLVACSS